The following is an entry in ClinVar:

ClinVar aggregate classification (germline): Uncertain significance. Review status: criteria provided, multiple submitters, no conflicts (2 of 4 stars). 4 submissions from 4 submitters: Uncertain significance (4). Last evaluated 2022-07-24.

Conditions:
Dilated cardiomyopathy 1G (CMD1G). Identifiers: Orphanet 154, MedGen C1858763, MONDO:0011400, OMIM 604145.
Autosomal recessive limb-girdle muscular dystrophy type 2J (LGMDR10). Also called: Limb-girdle muscular dystrophy, type 2J; MUSCULAR DYSTROPHY, LIMB-GIRDLE, AUTOSOMAL RECESSIVE 10. Identifiers: Orphanet 140922, MedGen C1837342, MONDO:0012127, OMIM 608807.
Cardiovascular phenotype. Identifiers: MedGen CN230736.

Allele frequency attached by ClinVar (database versions not stated): gnomAD exomes below 0.00001; ExAC 0.00001; TOPMed 0.00004; gnomAD 0.00005.

Submissions (4):

Women's Health and Genetics/Laboratory Corporation of America, LabCorp
Classification: Uncertain significance. Last evaluated: 2022-07-24. Review status: criteria provided, single submitter. Criteria: LabCorp Variant Classification Summary - May 2015. Collection method: clinical testing. Allele origin: germline.

Ambry Genetics
Classification: Uncertain significance for Cardiovascular phenotype. Last evaluated: 2019-09-05. Review status: criteria provided, single submitter. Criteria: Ambry Variant Classification Scheme 2023. Collection method: clinical testing. Allele origin: germline.
Comment: The p.E9268D variant (also known as c.27804A>T), located in coding exon 110 of the TTN gene, results from an A to T substitution at nucleotide position 27804. The glutamic acid at codon 9268 is replaced by aspartic acid, an amino acid with highly similar properties. This amino acid position is well conserved in available vertebrate species. In addition, this alteration is predicted to be tolerated by in silico analysis. Since supporting evidence is limited at this time, the clinical significance of this alteration remains unclear.

Labcorp Genetics (formerly Invitae), Labcorp
Classification: Uncertain significance for Dilated cardiomyopathy 1G; Autosomal recessive limb-girdle muscular dystrophy type 2J. Last evaluated: 2017-11-08. Review status: criteria provided, single submitter. Criteria: Invitae Variant Classification Sherloc (09022015). Collection method: clinical testing. Allele origin: germline.

Eurofins Ntd Llc (ga)
Classification: Uncertain significance. Last evaluated: 2017-05-23. Review status: criteria provided, single submitter. Criteria: EGL Classification Definitions 2015. Collection method: clinical testing. Allele origin: germline. Observed: 2 variant alleles, 2 heterozygotes.

NM_001267550.2(TTN):c.54999A>T (p.Glu18333Asp)

Genes: TTN-AS1 (TTN antisense RNA 1; plus strand), TTN (titin; minus strand). Cytogenetic location: 2q31.2.
Variant type: single nucleotide variant.
Coding change: c.54999A>T on transcript NM_001267550.2 (MANE Select); coding-DNA position 54999, A replaced by T.
Protein change: p.Glu18333Asp; replaces glutamic acid 18333 with aspartic acid.
Molecular consequence: missense variant.
Genome position (GRCh38, 1-based): chr2:178,602,403, T>A on the plus strand (A>T on the coding strand, the complement: TTN is on the minus strand). VCF-style: chr2-178602403-T-A. GRCh37 (hg19) VCF-style: chr2-179467130-T-A.
Other names: c.50076A>T, p.Glu16692Asp (NM_001256850.1); c.27804A>T, p.Glu9268Asp (NM_003319.4); c.47295A>T, p.Glu15765Asp (NM_133378.4); c.28179A>T, p.Glu9393Asp (NM_133432.3); c.28380A>T, p.Glu9460Asp (NM_133437.4); short protein forms E18333D, E15765D, E9268D, E9460D, E9393D, E16692D.
Identifiers: ClinVar variation 405162 (VCV000405162.10), dbSNP rs764950995, ClinGen allele CA1993548.
Genomic context (GRCh38, chr2:178,602,403, plus strand): 5'-ATTGACAGCTTTCACTCTGAATCTGTACTTCCTGAGCTCTTTCAGATTAGGCACCACACA[T>A]TCACAGGTAGTTATAAGTTTGTCTGGTTCATTTACTCTTTTCCAGTCAGTAGTACCTTCT-3'
Protein context (NP_001254479.2, residues 18323-18343): NEPDKLITTC[Glu18333Asp]CVVPNLKELR